The following is an entry in ClinVar:

NM_024652.6(LRRK1):c.5808T>C (p.Asp1936=)

Genes: LRRK1 (leucine rich repeat kinase 1; plus strand), LRRK1-AS1 (LRRK1 antisense RNA 1; minus strand). Cytogenetic location: 15q26.3.
Variant type: single nucleotide variant.
Coding change: c.5808T>C on transcript NM_024652.6 (MANE Select); coding-DNA position 5808, T replaced by C.
Protein change: p.Asp1936=; no amino-acid change (aspartic acid 1936 retained).
Molecular consequence: synonymous variant.
Genome position (GRCh38, 1-based): chr15:101,066,679, T>C. VCF-style: chr15-101066679-T-C. GRCh37 (hg19) VCF-style: chr15-101606884-T-C.
Identifiers: ClinVar variation 4822698 (VCV004822698.4).

ClinVar aggregate classification (germline): Likely benign (1 of 4 stars; one submission).

Submission:

CeGaT Center for Human Genetics Tuebingen
Classification: Likely benign. Last evaluated: 2026-01-01. Review status: criteria provided, single submitter. Criteria: CeGaT Center For Human Genetics Tuebingen Variant Classification Criteria Version 2. Collection method: clinical testing. Allele origin: germline. Affected: yes. Observed: 1 variant allele.
Comment: LRRK1: PM2:Supporting, BP4, BP7